The following is an entry in ClinVar:

NM_001163435.3(TBCK):c.2088A>C (p.Glu696Asp)

Gene: TBCK (TBC1 domain containing kinase; minus strand). Cytogenetic location: 4q24.
Variant type: single nucleotide variant.
Coding change: c.2088A>C on transcript NM_001163435.3 (MANE Select); coding-DNA position 2088, A replaced by C.
Protein change: p.Glu696Asp; replaces glutamic acid 696 with aspartic acid.
Molecular consequence: missense variant.
Genome position (GRCh38, 1-based): chr4:106,171,242, T>G on the plus strand (A>C on the coding strand, the complement: TBCK is on the minus strand). VCF-style: chr4-106171242-T-G. GRCh37 (hg19) VCF-style: chr4-107092399-T-G.
Other names: c.2088A>C, p.Glu696Asp (NM_001163436.4); c.1971A>C, p.Glu657Asp (NM_001163437.3); c.1572A>C, p.Glu524Asp (NM_001290768.2); c.1899A>C, p.Glu633Asp (NM_033115.5); short protein forms E524D, E633D, E696D, E657D.
Identifiers: ClinVar variation 1029172 (VCV001029172.1), dbSNP rs1750972768, ClinGen allele CA357819612.

ClinVar aggregate classification (germline): Uncertain significance (1 of 4 stars; one submission).

Conditions:
Hypotonia, infantile, with psychomotor retardation and characteristic facies 3 (IHPRF3). Also called: TBCK-Related Neurodevelopmental Disorder. Identifiers: Orphanet 488632, MedGen C5567480, MONDO:0014823, OMIM 616900.

Submission:

Baylor Genetics
Classification: Uncertain significance for Hypotonia, infantile, with psychomotor retardation and characteristic facies 3. Last evaluated: 2020-04-22. Review status: criteria provided, single submitter. Criteria: ACMG Guidelines, 2015. Collection method: clinical testing. Allele origin: unknown. Affected: yes.
Comment: This variant was determined to be of uncertain significance according to ACMG Guidelines, 2015 [PMID:25741868].